The following is an entry in ClinVar:

ClinVar aggregate classification (germline): Uncertain significance (1 of 4 stars; one submission).

gnomAD v4.1: 1 of 1,613,748 alleles (0.000062%); highest among the groups gnomAD compares: Non-Finnish European, 0.000085%; no homozygotes.

Submission:

Labcorp Genetics (formerly Invitae), Labcorp
Classification: Uncertain significance. Last evaluated: 2023-07-03. Review status: criteria provided, single submitter. Criteria: Invitae Variant Classification Sherloc (09022015). Collection method: clinical testing. Allele origin: germline.
Comment: This sequence change replaces glutamic acid, which is acidic and polar, with aspartic acid, which is acidic and polar, at codon 1116 of the ABCC6 protein (p.Glu1116Asp). This variant is not present in population databases (gnomAD no frequency). This variant has not been reported in the literature in individuals affected with ABCC6-related conditions. Advanced modeling of protein sequence and biophysical properties (such as structural, functional, and spatial information, amino acid conservation, physicochemical variation, residue mobility, and thermodynamic stability) has been performed at Invitae for this missense variant, however the output from this modeling did not meet the statistical confidence thresholds required to predict the impact of this variant on ABCC6 protein function. In summary, the available evidence is currently insufficient to determine the role of this variant in disease. Therefore, it has been classified as a Variant of Uncertain Significance.

NM_001171.6(ABCC6):c.3348G>C (p.Glu1116Asp)

Gene: ABCC6 (ATP binding cassette subfamily C member 6; minus strand). Cytogenetic location: 16p13.11.
Variant type: single nucleotide variant.
Coding change: c.3348G>C on transcript NM_001171.6 (MANE Select); coding-DNA position 3348, G replaced by C.
Protein change: p.Glu1116Asp; replaces glutamic acid 1116 with aspartic acid.
Molecular consequence: missense variant.
Genome position (GRCh38, 1-based): chr16:16,163,151, C>G on the plus strand (G>C on the coding strand, the complement: ABCC6 is on the minus strand). VCF-style: chr16-16163151-C-G. GRCh37 (hg19) VCF-style: chr16-16257008-C-G.
Other names: c.3006G>C, p.Glu1002Asp (NM_001351800.1); short protein forms E1002D, E1116D.
Identifiers: ClinVar variation 2791600 (VCV002791600.3), dbSNP rs1288457361, ClinGen allele CA394881626.